The following is an entry in ClinVar:

NM_005060.4(RORC):c.1456T>A (p.Phe486Ile)

Gene: RORC (RAR related orphan receptor C; minus strand). Cytogenetic location: 1q21.3.
Variant type: single nucleotide variant.
Coding change: c.1456T>A on transcript NM_005060.4 (MANE Select); coding-DNA position 1456, T replaced by A.
Protein change: p.Phe486Ile; replaces phenylalanine 486 with isoleucine.
Molecular consequence: missense variant.
Genome position (GRCh38, 1-based): chr1:151,807,573, A>T on the plus strand (T>A on the coding strand, the complement: RORC is on the minus strand). VCF-style: chr1-151807573-A-T. GRCh37 (hg19) VCF-style: chr1-151780049-A-T.
Other names: c.1393T>A, p.Phe465Ile (LRG_1322t2, NM_001001523.2); c.1456T>A, p.Phe486Ile (LRG_1322t1); short protein forms F486I, F465I.
Identifiers: ClinVar variation 640271 (VCV000640271.8), dbSNP rs1572032352, ClinGen allele CA342008277.
Genomic context (GRCh38, chr1:151,807,573, plus strand): 5'-AGAGCTCCTTGTAGAGTGGAGGGAAAGCGGCTTGGACCACGATGGGGTGGAGGTGCTGGA[A>T]GATCTGCAGCCTTTCCACATGCTGGCTACACAGGCTCCGAAGCTTCCCCTTGGGTGGCAG-3'
Protein context (NP_005051.2, residues 476-496): CSQHVERLQI[Phe486Ile]QHLHPIVVQA

ClinVar aggregate classification (germline): Uncertain significance (1 of 4 stars; one submission).

Conditions:
Autosomal recessive mendelian susceptibility to mycobacterial diseases due to complete RORgamma receptor deficiency. Also called: Immunodeficiency 42. Identifiers: Orphanet 477857, MedGen C5567647, MONDO:0014710, OMIM 616622.

Submission:

Labcorp Genetics (formerly Invitae), Labcorp
Classification: Uncertain significance for Autosomal recessive mendelian susceptibility to mycobacterial diseases due to complete RORgamma receptor deficiency. Last evaluated: 2018-09-10. Review status: criteria provided, single submitter. Criteria: Invitae Variant Classification Sherloc (09022015). Collection method: clinical testing. Allele origin: germline.
Comment: This sequence change replaces phenylalanine with isoleucine at codon 486 of the RORC protein (p.Phe486Ile). The phenylalanine residue is highly conserved and there is a small physicochemical difference between phenylalanine and isoleucine. In summary, the available evidence is currently insufficient to determine the role of this variant in disease. Therefore, it has been classified as a Variant of Uncertain Significance. Algorithms developed to predict the effect of missense changes on protein structure and function are either unavailable or do not agree on the potential impact of this missense change (SIFT: "Deleterious"; PolyPhen-2: "Probably Damaging"; Align-GVGD: "Class C15"). This variant has not been reported in the literature in individuals with RORC-related disease. This variant is not present in population databases (ExAC no frequency).